The following is an entry in ClinVar:

ClinVar aggregate classification (germline): Uncertain significance (1 of 4 stars; one submission).

Allele frequency attached by ClinVar (database versions not stated): TOPMed below 0.00001; gnomAD 0.00001; gnomAD exomes 0.00001 and 0.00002; ExAC 0.00002.
gnomAD v4.1: 15 of 1,601,074 alleles (0.00094%); highest among the groups gnomAD compares: East Asian, 0.0022%; no homozygotes.

Submission:

Labcorp Genetics (formerly Invitae), Labcorp
Classification: Uncertain significance. Last evaluated: 2023-04-18. Review status: criteria provided, single submitter. Criteria: Invitae Variant Classification Sherloc (09022015). Collection method: clinical testing. Allele origin: germline.
Comment: In summary, the available evidence is currently insufficient to determine the role of this variant in disease. Therefore, it has been classified as a Variant of Uncertain Significance. Advanced modeling of protein sequence and biophysical properties (such as structural, functional, and spatial information, amino acid conservation, physicochemical variation, residue mobility, and thermodynamic stability) performed at Invitae indicates that this missense variant is not expected to disrupt GUCY2C protein function. ClinVar contains an entry for this variant (Variation ID: 1058687). This variant has not been reported in the literature in individuals affected with GUCY2C-related conditions. This variant is present in population databases (rs775449520, gnomAD 0.01%). This sequence change replaces arginine, which is basic and polar, with glutamine, which is neutral and polar, at codon 262 of the GUCY2C protein (p.Arg262Gln).

NM_004963.4(GUCY2C):c.785G>A (p.Arg262Gln)

Genes: GUCY2C (guanylate cyclase 2C; minus strand), GUCY2C-AS1 (GUCY2C antisense RNA 1; plus strand). Cytogenetic location: 12p12.3.
Variant type: single nucleotide variant.
Coding change: c.785G>A on transcript NM_004963.4 (MANE Select); coding-DNA position 785, G replaced by A.
Protein change: p.Arg262Gln; replaces arginine 262 with glutamine.
Molecular consequence: missense variant.
Genome position (GRCh38, 1-based): chr12:14,679,702, C>T on the plus strand (G>A on the coding strand, the complement: GUCY2C is on the minus strand). VCF-style: chr12-14679702-C-T. GRCh37 (hg19) VCF-style: chr12-14832636-C-T.
Other names: short protein forms R262Q.
Identifiers: ClinVar variation 1058687 (VCV001058687.9), dbSNP rs775449520, ClinGen allele CA6463655.